The following is an entry in ClinVar:

ClinVar aggregate classification (germline): Uncertain significance (1 of 4 stars; one submission).

Allele frequency attached by ClinVar (database versions not stated): 1000 Genomes Project 30x 0.00016; gnomAD 0.00011; TOPMed 0.00009; gnomAD exomes below 0.00001; 1000 Genomes Project 0.00020.
gnomAD v4.1: 22 of 1,289,550 alleles (0.0017%); highest among the groups gnomAD compares: African/African-American, 0.03%; no homozygotes.

Submission:

Labcorp Genetics (formerly Invitae), Labcorp
Classification: Uncertain significance. Last evaluated: 2025-04-08. Review status: criteria provided, single submitter. Criteria: Invitae Variant Classification Sherloc (09022015). Collection method: clinical testing. Allele origin: germline.
Comment: This sequence change replaces threonine, which is neutral and polar, with isoleucine, which is neutral and non-polar, at codon 918 of the ERCC6L2 protein (p.Thr918Ile). This variant is present in population databases (rs139219722, gnomAD 0.01%). This variant has not been reported in the literature in individuals affected with ERCC6L2-related conditions. ClinVar contains an entry for this variant (Variation ID: 2968858). Experimental studies and prediction algorithms are not available or were not evaluated, and the functional significance of this variant is currently unknown. In summary, the available evidence is currently insufficient to determine the role of this variant in disease. Therefore, it has been classified as a Variant of Uncertain Significance.

NM_020207.7(ERCC6L2):c.2720C>T (p.Thr907Ile)

Gene: ERCC6L2 (ERCC excision repair 6 like 2; plus strand). Cytogenetic location: 9q22.32.
Variant type: single nucleotide variant.
Coding change: c.2720C>T on transcript NM_020207.7 (MANE Select); coding-DNA position 2720, C replaced by T.
Protein change: p.Thr907Ile; replaces threonine 907 with isoleucine.
Molecular consequence: missense variant. On other transcripts: non-coding transcript variant (1).
Genome position (GRCh38, 1-based): chr9:95,972,471, C>T. VCF-style: chr9-95972471-C-T. GRCh37 (hg19) VCF-style: chr9-98734753-C-T.
Other names: c.2720C>T, p.Thr907Ile (NM_001375291.1, NM_001375292.1, NM_001375293.1 and 1 more transcripts); short protein forms T907I.
Identifiers: ClinVar variation 2968858 (VCV002968858.2), dbSNP rs139219722, ClinGen allele CA196597544.